The following is an entry in ClinVar:

ClinVar aggregate classification (germline): Uncertain significance. Review status: criteria provided, multiple submitters, no conflicts (2 of 4 stars). 3 submissions from 3 submitters: Uncertain significance (3). Last evaluated 2025-08-30.

Conditions:
Fanconi anemia (FA). Also called: Fanconi's anemia. Identifiers: Orphanet 84, MedGen C0015625, MeSH D005199, MONDO:0019391.
Hereditary breast ovarian cancer syndrome. Also called: Hereditary breast and/or ovarian cancer syndrome; Hereditary breast and ovarian cancer syndrome (HBOC); Breast and ovarian cancer; Hereditary breast and ovarian cancer; BRCA1- and BRCA2-Associated Hereditary Breast and Ovarian Cancer; Hereditary breast and ovarian cancer syndrome. Identifiers: Orphanet 145, MedGen C0677776, MeSH D061325, MONDO:0003582. Disease mechanism: loss of function.

Allele frequency attached by ClinVar (database versions not stated): ExAC 0.00002; TOPMed 0.00002; gnomAD exomes 0.00004 and 0.00005.
gnomAD v4.1: 68 of 1,613,526 alleles (0.0042%); highest among the groups gnomAD compares: East Asian, 0.013%; no homozygotes.

Submissions (3):

Labcorp Genetics (formerly Invitae), Labcorp
Classification: Uncertain significance for Fanconi anemia. Last evaluated: 2025-08-30. Review status: criteria provided, single submitter. Criteria: Invitae Variant Classification Sherloc (09022015). Collection method: clinical testing. Allele origin: germline.
Comment: This sequence change replaces glutamic acid, which is acidic and polar, with lysine, which is basic and polar, at codon 771 of the FANCM protein (p.Glu771Lys). This variant is present in population databases (rs760204880, gnomAD 0.006%). This variant has not been reported in the literature in individuals affected with FANCM-related conditions. ClinVar contains an entry for this variant (Variation ID: 830245). An algorithm developed to predict the effect of missense changes on protein structure and function (PolyPhen-2) suggests that this variant is likely to be disruptive. In summary, the available evidence is currently insufficient to determine the role of this variant in disease. Therefore, it has been classified as a Variant of Uncertain Significance.

GeneDx
Classification: Uncertain significance. Last evaluated: 2025-03-11. Review status: criteria provided, single submitter. Criteria: GeneDx Variant Classification Process June 2021. Collection method: clinical testing. Allele origin: germline. Affected: yes.
Comment: Has not been previously published as pathogenic or benign to our knowledge; Not observed at significant frequency in large population cohorts (gnomAD); In silico analysis supports that this missense variant has a deleterious effect on protein structure/function; This variant is associated with the following publications: (PMID: 32566746)

Cancer Genomics Group, Japanese Foundation For Cancer Research
Classification: Uncertain significance for Hereditary breast and ovarian cancer syndrome. Last evaluated: 2019-05-01. Review status: criteria provided, single submitter. Criteria: ACMG Guidelines, 2015. Collection method: research. Allele origin: germline. Affected: yes.

NM_020937.4(FANCM):c.2311G>A (p.Glu771Lys)

Gene: FANCM (FA complementation group M; plus strand). Cytogenetic location: 14q21.2.
Variant type: single nucleotide variant.
Coding change: c.2311G>A on transcript NM_020937.4 (MANE Select); coding-DNA position 2311, G replaced by A.
Protein change: p.Glu771Lys; replaces glutamic acid 771 with lysine.
Molecular consequence: missense variant.
Genome position (GRCh38, 1-based): chr14:45,173,205, G>A. VCF-style: chr14-45173205-G-A. GRCh37 (hg19) VCF-style: chr14-45642408-G-A.
Other names: c.2233G>A, p.Glu745Lys (NM_001308133.2); short protein forms E745K, E771K.
Identifiers: ClinVar variation 830245 (VCV000830245.18), dbSNP rs760204880, ClinGen allele CA7169317.